The following is an entry in ClinVar:

ClinVar aggregate classification (germline): Uncertain significance (1 of 4 stars; one submission).

Conditions:
Charcot-Marie-Tooth disease axonal type 2P. Also called: CHARCOT-MARIE-TOOTH DISEASE, AXONAL, TYPE 2G; CMT 2G; CHARCOT-MARIE-TOOTH NEUROPATHY, TYPE 2P; Charcot-Marie-Tooth Neuropathy Type 2G. Identifiers: Orphanet 300319, Orphanet 99941, MedGen C3280797, MONDO:0013753, OMIM 614436.

gnomAD v4.1: 2 of 1,614,254 alleles (0.00012%); highest among the groups gnomAD compares: Non-Finnish European, 0.00017%; no homozygotes.

Submission:

Labcorp Genetics (formerly Invitae), Labcorp
Classification: Uncertain significance for Charcot-Marie-Tooth disease axonal type 2P. Last evaluated: 2024-01-12. Review status: criteria provided, single submitter. Criteria: Invitae Variant Classification Sherloc (09022015). Collection method: clinical testing. Allele origin: germline.
Comment: This sequence change replaces aspartic acid, which is acidic and polar, with asparagine, which is neutral and polar, at codon 226 of the LRSAM1 protein (p.Asp226Asn). This variant is not present in population databases (gnomAD no frequency). This variant has not been reported in the literature in individuals affected with LRSAM1-related conditions. ClinVar contains an entry for this variant (Variation ID: 852713). Advanced modeling of protein sequence and biophysical properties (such as structural, functional, and spatial information, amino acid conservation, physicochemical variation, residue mobility, and thermodynamic stability) performed at Invitae indicates that this missense variant is not expected to disrupt LRSAM1 protein function with a negative predictive value of 80%. In summary, the available evidence is currently insufficient to determine the role of this variant in disease. Therefore, it has been classified as a Variant of Uncertain Significance.

NM_001005373.4(LRSAM1):c.676G>A (p.Asp226Asn)

Gene: LRSAM1 (leucine rich repeat and sterile alpha motif containing 1; plus strand). Cytogenetic location: 9q33.3.
Variant type: single nucleotide variant.
Coding change: c.676G>A on transcript NM_001005373.4 (MANE Select); coding-DNA position 676, G replaced by A.
Protein change: p.Asp226Asn; replaces aspartic acid 226 with asparagine.
Molecular consequence: missense variant. On other transcripts: 5 prime UTR variant (1), non-coding transcript variant (2).
Genome position (GRCh38, 1-based): chr9:127,473,857, G>A. VCF-style: chr9-127473857-G-A. GRCh37 (hg19) VCF-style: chr9-130236136-G-A.
Other names: c.676G>A, p.Asp226Asn (NM_001005374.4, NM_001190723.3, NM_001384142.1 and 2 more transcripts); c.-109G>A (NM_001384144.1); short protein forms D226N.
Identifiers: ClinVar variation 852713 (VCV000852713.9), dbSNP rs1419447675, ClinGen allele CA374929723.